The following is an entry in ClinVar:

ClinVar aggregate classification (germline): Uncertain significance (1 of 4 stars; one submission).

Submission:

GeneDx
Classification: Uncertain significance. Last evaluated: 2023-04-14. Review status: criteria provided, single submitter. Criteria: GeneDx Variant Classification Process June 2021. Collection method: clinical testing. Allele origin: germline. Affected: yes.
Comment: Not observed at significant frequency in large population cohorts (gnomAD); In silico analysis supports a deleterious effect on splicing; Has not been previously published as pathogenic or benign to our knowledge

NM_007118.4(TRIO):c.7880+6T>G

Gene: TRIO (trio Rho guanine nucleotide exchange factor; plus strand). Cytogenetic location: 5p15.2.
Variant type: single nucleotide variant.
Coding change: c.7880+6T>G on transcript NM_007118.4 (MANE Select); 6 bases into the intron after coding-DNA position 7880, T replaced by G.
Molecular consequence: intron variant.
Genome position (GRCh38, 1-based): chr5:14,492,820, T>G. VCF-style: chr5-14492820-T-G. GRCh37 (hg19) VCF-style: chr5-14492929-T-G.
Identifiers: ClinVar variation 2662122 (VCV002662122.1), dbSNP rs2477548020, ClinGen allele CA2695198596.